The following is an entry in ClinVar:

NM_002016.2(FLG):c.4678C>T (p.Arg1560Cys)

Genes: FLG (filaggrin; minus strand), CCDST (cervical cancer associated DHX9 suppressive transcript; plus strand). Cytogenetic location: 1q21.3.
Variant type: single nucleotide variant.
Coding change: c.4678C>T on transcript NM_002016.2 (MANE Select); coding-DNA position 4678, C replaced by T.
Protein change: p.Arg1560Cys; replaces arginine 1560 with cysteine.
Molecular consequence: missense variant.
Genome position (GRCh38, 1-based): chr1:152,310,208, G>A on the plus strand (C>T on the coding strand, the complement: FLG is on the minus strand). VCF-style: chr1-152310208-G-A. GRCh37 (hg19) VCF-style: chr1-152282684-G-A.
Other names: short protein forms R1560C.
Identifiers: ClinVar variation 402868 (VCV000402868.8), dbSNP rs151103850, ClinGen allele CA1106117.

ClinVar aggregate classification (germline): Benign/Likely benign. Review status: criteria provided, multiple submitters, no conflicts (2 of 4 stars). 5 submissions from 5 submitters: Benign (4); Likely benign (1). Last evaluated 2023-04-11.

Conditions:
Ichthyosis vulgaris. Also called: ICHTHYOSIS SIMPLEX; Dominant ichthyosis vulgaris. Identifiers: MedGen C0079584, MONDO:0024304, OMIM 146700.

Allele frequency attached by ClinVar (database versions not stated): 1000 Genomes Project 30x 0.01296; 1000 Genomes Project 0.01298; TOPMed 0.02676; ESP Exome Variant Server 0.02952; gnomAD 0.02982 and 0.03042; ExAC 0.03066; gnomAD exomes 0.03099 and 0.04059.
gnomAD v4.1: 63,632 of 1,613,778 alleles (3.9%); highest among the groups gnomAD compares: Non-Finnish European, 4.5%; 1,536 homozygotes.

Submissions (5):

Genome-Nilou Lab
Classification: Benign for Ichthyosis vulgaris. Last evaluated: 2023-04-11. Review status: criteria provided, single submitter. Criteria: ACMG Guidelines, 2015. Collection method: clinical testing. Allele origin: germline. Affected: no.

Department of Pathology and Laboratory Medicine, Sinai Health System
Classification: Likely benign for Ichthyosis vulgaris. Last evaluated: 2022-08-08. Review status: criteria provided, single submitter. Criteria: ACMG Guidelines, 2015. Collection method: research. Allele origin: germline.

GeneDx
Classification: Benign. Last evaluated: 2018-07-05. Review status: criteria provided, single submitter. Criteria: GeneDx Variant Classification Process June 2021. Collection method: clinical testing. Allele origin: germline. Affected: yes.
Comment: This variant is associated with the following publications: (PMID: 31482965)

Laboratory for Molecular Medicine, Mass General Brigham Personalized Medicine
Classification: Benign. Last evaluated: 2016-03-28. Review status: criteria provided, single submitter. Criteria: LMM Criteria. Collection method: clinical testing. Allele origin: germline.
Comment: Variant identified in a genome or exome case(s) and assessed due to predicted null impact of the variant or pathogenic assertions in the literature or databases. Disclaimer: This variant has not undergone full assessment. The following are preliminary notes: Frequency

Breakthrough Genomics
Classification: Benign. Review status: criteria provided, single submitter. Criteria: ACMG Guidelines, 2015. Collection method: not provided. Allele origin: germline. Inheritance: Autosomal dominant inheritance. Affected: yes.